The following is an entry in ClinVar:

ClinVar aggregate classification (germline): Conflicting classifications of pathogenicity. Review status: criteria provided, conflicting classifications (1 of 4 stars). 7 submissions from 6 submitters: Uncertain significance (4); Benign (1); Likely benign (2). Last evaluated 2025-11-19.

Conditions:
Cardiovascular phenotype. Identifiers: MedGen CN230736.
Hypobetalipoproteinemia. Identifiers: Orphanet 31154, MedGen C0020597, MONDO:0017774.
Familial hypercholesterolemia. Also called: Familial hypercholesterolemias; Familial hypercholesterolaemia. Identifiers: MedGen C0020445, MONDO:0005439.
Hypercholesterolemia, autosomal dominant, 3 (FHCL3). Also called: PCSK9-Related Familial Hypercholesterolemia, Autosomal Dominant; Familial hypercholesterolemia 3; Familial Hypercholesterolemia, Autosomal Dominant, 3. Identifiers: MedGen C1863551, MONDO:0011369, OMIM 603776.

Allele frequency attached by ClinVar (database versions not stated): gnomAD exomes 0.00001 and 0.00005; gnomAD 0.00003; TOPMed 0.00003; ExAC 0.00006; 1000 Genomes Project 0.00020; 1000 Genomes Project 30x 0.00031.
gnomAD v4.1: 21 of 1,614,094 alleles (0.0013%); highest among the groups gnomAD compares: East Asian, 0.04%; no homozygotes.

Submissions (7):

Ambry Genetics
Classification: Benign for Cardiovascular phenotype. Last evaluated: 2025-11-19. Review status: criteria provided, single submitter. Criteria: Ambry Variant Classification Scheme 2023. Collection method: clinical testing. Allele origin: germline.

Labcorp Genetics (formerly Invitae), Labcorp
Classification: Likely benign for Hypercholesterolemia, autosomal dominant, 3. Last evaluated: 2025-04-14. Review status: criteria provided, single submitter. Criteria: Invitae Variant Classification Sherloc (09022015). Collection method: clinical testing. Allele origin: germline.

Laboratory of Genetics, Children's Clinical University Hospital Latvia
Classification: Likely benign. Last evaluated: 2025-02-16. Review status: criteria provided, single submitter. Criteria: ACMG Guidelines, 2015. Collection method: clinical testing. Allele origin: germline. Affected: yes.

Color Diagnostics, LLC DBA Color Health
Classification: Uncertain significance for Familial hypercholesterolemia. Last evaluated: 2024-05-31. Review status: criteria provided, single submitter. Criteria: ACMG Guidelines, 2015. Collection method: clinical testing. Allele origin: germline.
Comment: This missense variant replaces asparagine with aspartic acid at codon 652 of the PCSK9 protein. Computational prediction tools indicate that this variant has a neutral impact on protein structure and function. A functional study has shown that this variant causes increased PCSK9 proteolytic activity in vitro (PMID: 29259136). This variant has been reported in one individual affected with premature myocardial infarction (PMID: 30971288) and in one individual affected with acute coronary syndrome (PMID: 34526433). This variant has been identified in 16/282254 chromosomes (15/19938 East Asian chromosomes) in the general population by the Genome Aggregation Database (gnomAD). The available evidence is insufficient to determine the role of this variant in disease conclusively. Therefore, this variant is classified as a Variant of Uncertain Significance.

All of Us Research Program, National Institutes of Health
Classification: Uncertain significance for Hypercholesterolemia, autosomal dominant, 3. Last evaluated: 2023-06-15. Review status: criteria provided, single submitter. Criteria: ACMG Guidelines, 2015. Collection method: clinical testing. Allele origin: germline. Inheritance: Autosomal dominant inheritance. Observed: 1 variant allele, 1 heterozygote.
Comment: This missense variant replaces asparagine with aspartic acid at codon 652 of the PCSK9 protein. Computational prediction suggests that this variant may not impact protein structure and function (internally defined REVEL score threshold <= 0.5, PMID: 27666373). A functional study has shown that this variant causes increased PCSK9 proteolytic activity in vitro (PMID: 29259136). This variant has been reported in an individual affected with premature myocardial infarction (PMID: 30971288) and in an individual affected with acute coronary syndrome (PMID: 34526433). This variant has been identified in 16/282254 chromosomes (15/19938 East Asian chromosomes) in the general population by the Genome Aggregation Database (gnomAD). The available evidence is insufficient to determine the role of this variant in disease conclusively. Therefore, this variant is classified as a Variant of Uncertain Significance.

This study involves interpretation of variants in research participants for the purpose of population health screening. Participant phenotype was not available at the time of variant classification. Additional details can be found in publication PMID: 35346344, PMCID: PMC8962531

Illumina Laboratory Services, Illumina
Classification: Uncertain significance for Hypobetalipoproteinemia. Last evaluated: 2018-01-12. Review status: criteria provided, single submitter. Criteria: ICSL Variant Classification Criteria 13 December 2019. Collection method: clinical testing. Allele origin: germline.

Illumina Laboratory Services, Illumina
Classification: Uncertain significance for Hypercholesterolemia, autosomal dominant, 3. Last evaluated: 2018-01-12. Review status: criteria provided, single submitter. Criteria: ICSL Variant Classification Criteria 13 December 2019. Collection method: clinical testing. Allele origin: germline.

Literature cited by the submitters: PubMed 29259136 (cited by Color Diagnostics, LLC DBA Color Health and All of Us Research Program, National Institutes of Health); PubMed 30971288 (cited by Color Diagnostics, LLC DBA Color Health and All of Us Research Program, National Institutes of Health); PubMed 34526433 (cited by Color Diagnostics, LLC DBA Color Health and All of Us Research Program, National Institutes of Health).

NM_174936.4(PCSK9):c.1954A>G (p.Asn652Asp)

Gene: PCSK9 (proprotein convertase subtilisin/kexin type 9; plus strand). Cytogenetic location: 1p32.3.
Variant type: single nucleotide variant.
Coding change: c.1954A>G on transcript NM_174936.4 (MANE Select); coding-DNA position 1954, A replaced by G.
Protein change: p.Asn652Asp; replaces asparagine 652 with aspartic acid.
Molecular consequence: missense variant.
Genome position (GRCh38, 1-based): chr1:55,063,459, A>G. VCF-style: chr1-55063459-A-G. GRCh37 (hg19) VCF-style: chr1-55529132-A-G.
Other names: c.2077A>G, p.Asn693Asp (NM_001407240.1); c.1996A>G, p.Asn666Asp (NM_001407241.1); c.1957A>G, p.Asn653Asp (NM_001407242.1); c.1897A>G, p.Asn633Asp (NM_001407243.1); c.1780A>G, p.Asn594Asp (NM_001407244.1); c.1762A>G, p.Asn588Asp (NM_001407245.1); c.1579A>G, p.Asn527Asp (NM_001407246.1); c.1453A>G, p.Asn485Asp (NM_001407247.1); short protein forms N652D, N527D, N666D, N693D, N588D, N594D, N653D, N485D.
Identifiers: ClinVar variation 297704 (VCV000297704.21), dbSNP rs201280059, ClinGen allele CA039871.